The following is an entry in ClinVar:

NM_002661.5(PLCG2):c.3358G>T (p.Val1120Leu)

Gene: PLCG2 (phospholipase C gamma 2; plus strand). Cytogenetic location: 16q23.3.
Variant type: single nucleotide variant.
Coding change: c.3358G>T on transcript NM_002661.5 (MANE Select); coding-DNA position 3358, G replaced by T.
Protein change: p.Val1120Leu; replaces valine 1120 with leucine.
Molecular consequence: missense variant.
Genome position (GRCh38, 1-based): chr16:81,939,936, G>T. VCF-style: chr16-81939936-G-T. GRCh37 (hg19) VCF-style: chr16-81973541-G-T.
Other names: short protein forms V1120L.
Identifiers: ClinVar variation 958923 (VCV000958923.9), dbSNP rs1254901490, ClinGen allele CA396908432.

ClinVar aggregate classification (germline): Uncertain significance (1 of 4 stars; one submission).

Conditions:
Familial cold autoinflammatory syndrome 3 (FCAS3). Also called: FAMILIAL ATYPICAL COLD URTICARIA; ANTIBODY DEFICIENCY AND IMMUNE DYSREGULATION, PLCG2-ASSOCIATED. Identifiers: Orphanet 300359, MedGen C3280914, MONDO:0013766, OMIM 614468.

Allele frequency attached by ClinVar (database versions not stated): gnomAD exomes below 0.00001; TOPMed 0.00001.
gnomAD v4.1: 3 of 1,614,064 alleles (0.00019%); highest among the groups gnomAD compares: Non-Finnish European, 0.00017%; no homozygotes.

Submission:

Labcorp Genetics (formerly Invitae), Labcorp
Classification: Uncertain significance for Familial cold autoinflammatory syndrome 3. Last evaluated: 2025-11-10. Review status: criteria provided, single submitter. Criteria: Invitae Variant Classification Sherloc (09022015). Collection method: clinical testing. Allele origin: germline.
Comment: This sequence change replaces valine, which is neutral and non-polar, with leucine, which is neutral and non-polar, at codon 1120 of the PLCG2 protein (p.Val1120Leu). This variant is not present in population databases (gnomAD no frequency). This variant has not been reported in the literature in individuals affected with PLCG2-related conditions. ClinVar contains an entry for this variant (Variation ID: 958923). An algorithm developed to predict the effect of missense changes on protein structure and function (PolyPhen-2) suggests that this variant is likely to be tolerated. In summary, the available evidence is currently insufficient to determine the role of this variant in disease. Therefore, it has been classified as a Variant of Uncertain Significance.